The following is an entry in ClinVar:

NM_058172.6(ANTXR2):c.*1671T>G

Gene: ANTXR2 (ANTXR cell adhesion molecule 2; minus strand). Cytogenetic location: 4q21.21.
Variant type: single nucleotide variant.
Coding change: c.*1671T>G on transcript NM_058172.6 (MANE Select); 1671 bases downstream of the stop codon, T replaced by G.
Molecular consequence: 3 prime UTR variant.
Genome position (GRCh38, 1-based): chr4:79,905,758, A>C on the plus strand (T>G on the coding strand, the complement: ANTXR2 is on the minus strand). VCF-style: chr4-79905758-A-C. GRCh37 (hg19) VCF-style: chr4-80826912-A-C.
Other names: c.*1671T>G (NM_001286780.2, NM_001286781.2).
Identifiers: ClinVar variation 905456 (VCV000905456.5), dbSNP rs2760, ClinGen allele CA11754546.

ClinVar aggregate classification (germline): Benign. Review status: criteria provided, multiple submitters, no conflicts (2 of 4 stars). 2 submissions from 2 submitters: Benign (2). Last evaluated 2018-01-12.

Conditions:
Hyaline fibromatosis syndrome (HFS). Also called: Hyalinosis, Inherited Systemic; HYALINOSIS, SYSTEMIC. Identifiers: Orphanet 2028, Orphanet 498474, MedGen C5574677, MONDO:0009229, OMIM 228600.

Allele frequency attached by ClinVar (database versions not stated): gnomAD exomes 0.10539; gnomAD 0.11504 and 0.13117; TOPMed 0.13668; 1000 Genomes Project 30x 0.27436; 1000 Genomes Project 0.28714.
gnomAD v4.1: 19,884 of 152,318 alleles (13%); highest among the groups gnomAD compares: East Asian, 68%; 2,526 homozygotes.

Submissions (2):

Illumina Laboratory Services, Illumina
Classification: Benign for Hyaline fibromatosis syndrome. Last evaluated: 2018-01-12. Review status: criteria provided, single submitter. Criteria: ICSL Variant Classification Criteria 13 December 2019. Collection method: clinical testing. Allele origin: germline.
Comment: This variant was observed in the ICSL laboratory as part of a predisposition screen in an ostensibly healthy population. It had not been previously curated by ICSL or reported in the Human Gene Mutation Database (HGMD: prior to June 1st, 2018), and was therefore a candidate for classification through an automated scoring system. Utilizing variant allele frequency, disease prevalence and penetrance estimates, and inheritance mode, an automated score was calculated to assess if this variant is too frequent to cause the disease. Based on the score and internal cut-off values, a variant classified as benign is not then subjected to further curation. The score for this variant resulted in a classification of benign for this disease.

Breakthrough Genomics
Classification: Benign. Review status: criteria provided, single submitter. Criteria: ACMG Guidelines, 2015. Collection method: not provided. Allele origin: germline. Inheritance: Autosomal recessive inheritance. Affected: yes.